The following is an entry in ClinVar:

ClinVar aggregate classification (germline): Uncertain significance. Review status: criteria provided, multiple submitters, no conflicts (2 of 4 stars). 4 submissions from 4 submitters: Uncertain significance (3). 1 of the submissions does not count toward it. Last evaluated 2025-04-12.

Conditions:
Inborn genetic diseases. Identifiers: MedGen C0950123, MeSH D030342.
Usher syndrome type 1B (USH1B). Also called: Usher syndrome type IB. Identifiers: MedGen C1848638, MONDO:0700087.

Allele frequency attached by ClinVar (database versions not stated): gnomAD 0.00001; TOPMed 0.00001.
gnomAD v4.1: 2 of 1,613,594 alleles (0.00012%); highest among the groups gnomAD compares: African/African-American, 0.0027%; no homozygotes.

Submissions (4):

Ambry Genetics
Classification: Uncertain significance for Inborn genetic diseases. Last evaluated: 2025-04-12. Review status: criteria provided, single submitter. Criteria: Ambry Variant Classification Scheme 2023. Collection method: clinical testing. Allele origin: germline.

Labcorp Genetics (formerly Invitae), Labcorp
Classification: Uncertain significance. Last evaluated: 2022-02-24. Review status: criteria provided, single submitter. Criteria: Invitae Variant Classification Sherloc (09022015). Collection method: clinical testing. Allele origin: germline.
Comment: This sequence change replaces tyrosine, which is neutral and polar, with histidine, which is basic and polar, at codon 538 of the MYO7A protein (p.Tyr538His). This variant is not present in population databases (gnomAD no frequency). This variant has not been reported in the literature in individuals affected with MYO7A-related conditions. ClinVar contains an entry for this variant (Variation ID: 1058768). Advanced modeling of protein sequence and biophysical properties (such as structural, functional, and spatial information, amino acid conservation, physicochemical variation, residue mobility, and thermodynamic stability) performed at Invitae indicates that this missense variant is expected to disrupt MYO7A protein function. In summary, the available evidence is currently insufficient to determine the role of this variant in disease. Therefore, it has been classified as a Variant of Uncertain Significance.

Blueprint Genetics
Classification: Uncertain significance. Last evaluated: 2021-02-09. Review status: criteria provided, single submitter. Criteria: ACMG Guidelines, 2015. Collection method: clinical testing. Allele origin: germline.

Natera, Inc.
Classification: Uncertain significance for Usher syndrome type 1B. Last evaluated: 2020-10-01. Review status: no assertion criteria provided. Collection method: clinical testing. Allele origin: germline. Not counted in ClinVar's aggregate classification.

NM_000260.4(MYO7A):c.1612T>C (p.Tyr538His)

Gene: MYO7A (myosin VIIA; plus strand). Cytogenetic location: 11q13.5.
Variant type: single nucleotide variant.
Coding change: c.1612T>C on transcript NM_000260.4 (MANE Select); coding-DNA position 1612, T replaced by C.
Protein change: p.Tyr538His; replaces tyrosine 538 with histidine.
Molecular consequence: missense variant.
Genome position (GRCh38, 1-based): chr11:77,162,910, T>C. VCF-style: chr11-77162910-T-C. GRCh37 (hg19) VCF-style: chr11-76873956-T-C.
Other names: c.1612T>C (NM_000260.3); c.1612T>C, p.Tyr538His (NM_001127180.2); c.1579T>C, p.Tyr527His (NM_001369365.1); short protein forms Y527H, Y538H.
Identifiers: ClinVar variation 1058768 (VCV001058768.9), dbSNP rs1277502960, ClinGen allele CA381936121.